The following is an entry in ClinVar:

NM_002160.4(TNC):c.1943G>A (p.Arg648Gln)

Gene: TNC (tenascin C; minus strand). Cytogenetic location: 9q33.1.
Variant type: single nucleotide variant.
Coding change: c.1943G>A on transcript NM_002160.4 (MANE Select); coding-DNA position 1943, G replaced by A.
Protein change: p.Arg648Gln; replaces arginine 648 with glutamine.
Molecular consequence: missense variant.
Genome position (GRCh38, 1-based): chr9:115,084,397, C>T on the plus strand (G>A on the coding strand, the complement: TNC is on the minus strand). VCF-style: chr9-115084397-C-T. GRCh37 (hg19) VCF-style: chr9-117846676-C-T.
Other names: NC_000009.11:g.117846676C>T; short protein forms R648Q.
Identifiers: ClinVar variation 1316574 (VCV001316574.6), dbSNP rs55643605, ClinGen allele CA5208674.

ClinVar aggregate classification (germline): Likely benign. Review status: criteria provided, multiple submitters, no conflicts (2 of 4 stars). 3 submissions from 3 submitters: Likely benign (2). 1 of the submissions does not count toward it. Last evaluated 2024-11-21.

Conditions:
TNC-related disorder. Also called: TNC-related condition.

Allele frequency attached by ClinVar (database versions not stated): 1000 Genomes Project 30x 0.00047; 1000 Genomes Project 0.00060; ExAC 0.00094; gnomAD 0.00094 and 0.00109; ESP Exome Variant Server 0.00100; gnomAD exomes 0.00107; TOPMed 0.00108.
gnomAD v4.1: 2,091 of 1,614,212 alleles (0.13%); highest among the groups gnomAD compares: Non-Finnish European, 0.14%; 2 homozygotes.

Submissions (4):

Blueprint Genetics
Classification: Likely benign. Last evaluated: 2024-11-21. Review status: criteria provided, single submitter. Criteria: ACMG Guidelines, 2015. Collection method: clinical testing. Allele origin: germline.

GeneDx
Classification: Likely benign. Last evaluated: 2021-03-02. Review status: criteria provided, single submitter. Criteria: GeneDx Variant Classification Process June 2021. Collection method: clinical testing. Allele origin: germline. Affected: yes.

PreventionGenetics, part of Exact Sciences
Classification: Benign for TNC-related condition. Last evaluated: 2020-02-17. Review status: no assertion criteria provided. Collection method: clinical testing. Allele origin: germline. Not counted in ClinVar's aggregate classification.
Comment: This variant is classified as benign based on ACMG/AMP sequence variant interpretation guidelines (Richards et al. 2015 PMID: 25741868, with internal and published modifications).

Dr. Peter K. Rogan Lab, Western University
No classification provided (evidence only). Condition: Thyroid cancer, nonmedullary, 1. Review status: no classification provided. Collection method: in vitro. Allele origin: not applicable. Functional consequence: retained intron. Not counted in ClinVar's aggregate classification.